The following is an entry in ClinVar:

NM_001267550.2(TTN):c.86783G>C (p.Gly28928Ala)

Genes: TTN (titin; minus strand), TTN-AS1 (TTN antisense RNA 1; plus strand). Cytogenetic location: 2q31.2.
Variant type: single nucleotide variant.
Coding change: c.86783G>C on transcript NM_001267550.2 (MANE Select); coding-DNA position 86783, G replaced by C.
Protein change: p.Gly28928Ala; replaces glycine 28928 with alanine.
Molecular consequence: missense variant.
Genome position (GRCh38, 1-based): chr2:178,559,349, C>G on the plus strand (G>C on the coding strand, the complement: TTN is on the minus strand). VCF-style: chr2-178559349-C-G. GRCh37 (hg19) VCF-style: chr2-179424076-C-G.
Other names: c.81860G>C, p.Gly27287Ala (NM_001256850.1); c.59588G>C, p.Gly19863Ala (NM_003319.4); c.79079G>C, p.Gly26360Ala (NM_133378.4); c.59963G>C, p.Gly19988Ala (NM_133432.3); c.60164G>C, p.Gly20055Ala (NM_133437.4); short protein forms G19863A, G19988A, G20055A, G26360A, G27287A, G28928A.
Identifiers: ClinVar variation 2651599 (VCV002651599.25), dbSNP rs767722495, ClinGen allele CA60983622.

ClinVar aggregate classification (germline): Uncertain significance. Review status: criteria provided, multiple submitters, no conflicts (2 of 4 stars). 2 submissions from 2 submitters: Uncertain significance (2). Last evaluated 2025-03-17.

Allele frequency attached by ClinVar (database versions not stated): gnomAD 0.00001; TOPMed 0.00002.

Submissions (2):

GeneDx
Classification: Uncertain significance. Last evaluated: 2025-03-17. Review status: criteria provided, single submitter. Criteria: GeneDx Variant Classification Process June 2021. Collection method: clinical testing. Allele origin: germline. Affected: yes.
Comment: Not observed at significant frequency in large population cohorts (gnomAD); Missense variant in a gene in which most reported pathogenic variants are truncating/loss of function; Has not been previously published as pathogenic or benign to our knowledge

CeGaT Center for Human Genetics Tuebingen
Classification: Uncertain significance. Last evaluated: 2022-10-01. Review status: criteria provided, single submitter. Criteria: CeGaT Center For Human Genetics Tuebingen Variant Classification Criteria Version 2. Collection method: clinical testing. Allele origin: germline. Affected: yes. Observed: 1 variant allele.